The following is an entry in ClinVar:

ClinVar aggregate classification (germline): Conflicting classifications of pathogenicity. Review status: criteria provided, conflicting classifications (1 of 4 stars). 2 submissions from 2 submitters: Likely pathogenic (1); Uncertain significance (1). Last evaluated 2024-10-28.

Conditions:
Dilated cardiomyopathy 1G (CMD1G). Identifiers: Orphanet 154, MedGen C1858763, MONDO:0011400, OMIM 604145.
Autosomal recessive limb-girdle muscular dystrophy type 2J (LGMDR10). Also called: Limb-girdle muscular dystrophy, type 2J; MUSCULAR DYSTROPHY, LIMB-GIRDLE, AUTOSOMAL RECESSIVE 10. Identifiers: Orphanet 140922, MedGen C1837342, MONDO:0012127, OMIM 608807.

Submissions (2):

Labcorp Genetics (formerly Invitae), Labcorp
Classification: Likely pathogenic for Dilated cardiomyopathy 1G; Autosomal recessive limb-girdle muscular dystrophy type 2J. Last evaluated: 2024-10-28. Review status: criteria provided, single submitter. Criteria: Invitae Variant Classification Sherloc (09022015). Collection method: clinical testing. Allele origin: germline.
Comment: This sequence change creates a premature translational stop signal (p.Thr7437Asnfs*18) in the TTN gene. While this is not anticipated to result in nonsense mediated decay, it is expected to create a truncated TTN protein. This variant is not present in population databases (gnomAD no frequency). This variant has not been reported in the literature in individuals affected with TTN-related conditions. ClinVar contains an entry for this variant (Variation ID: 1508677). This variant is located in the I band of TTN (PMID: 25589632). Truncating variants in this region have been reported in individuals affected with autosomal recessive centronuclear myopathy (PMID: 23975875, internal data). Truncating variants in this region have also been identified in individuals affected with autosomal dominant dilated cardiomyopathy and/or cardio-related conditions (PMID: 27869827, 32964742, internal data). In summary, the currently available evidence indicates that the variant is pathogenic, but additional data are needed to prove that conclusively. Therefore, this variant has been classified as Likely Pathogenic.

GeneDx
Classification: Uncertain significance. Last evaluated: 2024-03-19. Review status: criteria provided, single submitter. Criteria: GeneDx Variant Classification Process June 2021. Collection method: clinical testing. Allele origin: germline. Affected: yes.
Comment: Not observed at significant frequency in large population cohorts (gnomAD); Frameshift variant predicted to result in protein truncation or nonsense mediated decay in a gene or region of a gene for which loss of function is not a well-established mechanism of disease; Located in a region of TTN within the I-band in which the majority of loss of function variants are significantly associated with autosomal dominant titinopathies (PMID: 27625338, 27869827); Has not been previously published as pathogenic or benign to our knowledge; This variant is associated with the following publications: (PMID: 27625338, 27869827)

Literature cited by the submitters: PubMed 25589632 (cited by Labcorp Genetics (formerly Invitae), Labcorp); PubMed 23975875 (cited by Labcorp Genetics (formerly Invitae), Labcorp); PubMed 27869827 (cited by Labcorp Genetics (formerly Invitae), Labcorp); PubMed 32964742 (cited by Labcorp Genetics (formerly Invitae), Labcorp).

NM_001267550.2(TTN):c.22309dup (p.Thr7437fs)

Gene: TTN (titin; minus strand). Cytogenetic location: 2q31.2.
Variant type: Duplication.
Coding change: c.22309dup on transcript NM_001267550.2 (MANE Select); coding-DNA position 22309, one base duplicated (A; older notation c.22309dupA).
Protein change: p.Thr7437fs; shifts the reading frame from threonine 7437.
Molecular consequence: frameshift variant. On other transcripts: intron variant (3).
Genome position (GRCh38, 1-based): chr2:178,722,478, T duplicated on the plus strand (A on the coding strand, the reverse complement: TTN is on the minus strand). VCF-style (leftmost placement, unchanged base first): chr2-178722477-G-GT. GRCh37 (hg19) VCF-style: chr2-179587204-G-GT.
Other names: c.21358dup, p.Thr7120fs (NM_001256850.1); c.18577dup, p.Thr6193fs (NM_133378.4); c.13282+15604dup (NM_003319.4); c.13858+15604dup (NM_133437.4); c.13657+15604dup (NM_133432.3); c.22309dup (NM_001267550.1); short protein forms T7120fs, T7437fs, T6193fs.
Identifiers: ClinVar variation 1508677 (VCV001508677.9), dbSNP rs2154302053, ClinGen allele CA2573133950.